The following is an entry in ClinVar:

ClinVar aggregate classification (germline): Pathogenic/Likely pathogenic. Review status: criteria provided, multiple submitters, no conflicts (2 of 4 stars). 5 submissions from 5 submitters: Pathogenic (1); Likely pathogenic (3). 1 of the submissions does not count toward it. Last evaluated 2025-10-23.

Conditions:
Megalencephalic leukoencephalopathy with subcortical cysts. Also called: VAN DER KNAAP DISEASE. Identifiers: Orphanet 2478, MedGen C1858854, MONDO:0011391.
Megalencephalic leukoencephalopathy with subcortical cysts 1 (MLC1). Also called: LEUKOENCEPHALOPATHY WITH SWELLING AND CYSTS; VACUOLATING MEGALENCEPHALIC LEUKOENCEPHALOPATHY WITH SUBCORTICAL CYSTS. Identifiers: Orphanet 2478, MedGen C5779875, MONDO:0024555, OMIM 604004.

Allele frequency attached by ClinVar (database versions not stated): gnomAD exomes below 0.00001; gnomAD 0.00001; TOPMed 0.00003.
gnomAD v4.1: 5 of 1,610,042 alleles (0.00031%); highest among the groups gnomAD compares: African/African-American, 0.0067%; no homozygotes.

Submissions (5):

Natera, Inc.
Classification: Likely pathogenic for Megalencephalic leukoencephalopathy with subcortical cysts. Last evaluated: 2025-10-23. Review status: criteria provided, single submitter. Criteria: Natera Variant Classification Schema (03/2026). Collection method: clinical testing. Allele origin: germline.
Comment: The c.973C>T variant in MLC1 is a nonsense variant predicted to introduce a stop codon at amino acid 325. This variant is expected to result in nonsense mediated decay, truncation, or a dysfunctional protein product. This variant is rare in the general population with a frequency below the threshold expected for the associated phenotype(s). Given the available evidence, this variant is classified as Likely Pathogenic.

Labcorp Genetics (formerly Invitae), Labcorp
Classification: Pathogenic. Last evaluated: 2025-08-15. Review status: criteria provided, single submitter. Criteria: Invitae Variant Classification Sherloc (09022015). Collection method: clinical testing. Allele origin: germline.
Comment: This sequence change creates a premature translational stop signal (p.Gln325*) in the MLC1 gene. It is expected to result in an absent or disrupted protein product. Loss-of-function variants in MLC1 are known to be pathogenic (PMID: 11254442, 16470554, 24824219). This variant is present in population databases (no rsID available, gnomAD 0.008%). This variant has not been reported in the literature in individuals affected with MLC1-related conditions. ClinVar contains an entry for this variant (Variation ID: 370408). For these reasons, this variant has been classified as Pathogenic.

Laboratory for Molecular Medicine, Mass General Brigham Personalized Medicine
Classification: Likely pathogenic for Megalencephalic leukoencephalopathy with subcortical cysts. Last evaluated: 2024-01-29. Review status: criteria provided, single submitter. Criteria: ACMG Guidelines, 2015. Collection method: clinical testing. Allele origin: germline. Inheritance: Autosomal recessive inheritance.
Comment: The p.Gln325X variant in MLC1 has not been previously reported in individuals with megalencephalic leukoencephalopathy but has been reported by other clinical laboratories in ClinVar (Variation ID 370408). It has also been identified in 0.002% (1/41410) of African chromosomes by gnomAD (v.3.1.2). This nonsense variant leads to a premature termination codon at position 325, which is predicted to lead to a truncated or absent protein. Biallelic loss of function of the MLC1 gene is an established disease mechanism in autosomal recessive megalencephalic leukoencephalopathy. In summary, although additional studies are required to fully establish its clinical significance, this variant meets criteria to be classified as likely pathogenic for autosomal recessive megalencephalic leukoencephalopathy. ACMG/AMP Criteria applied: PVS1, PM2_Supporting.

Baylor Genetics
Classification: Likely pathogenic for Megalencephalic leukoencephalopathy with subcortical cysts 1. Last evaluated: 2023-04-10. Review status: criteria provided, single submitter. Criteria: ACMG Guidelines, 2015. Collection method: clinical testing. Allele origin: unknown.

Counsyl
Classification: Likely pathogenic for Megalencephalic leukoencephalopathy with subcortical cysts 1. Last evaluated: 2016-02-02. Review status: no assertion criteria provided. Collection method: clinical testing. Allele origin: unknown. Not counted in ClinVar's aggregate classification.

Literature cited by the submitters: PubMed 11254442 (cited by Labcorp Genetics (formerly Invitae), Labcorp); PubMed 16470554 (cited by Labcorp Genetics (formerly Invitae), Labcorp); PubMed 24824219 (cited by Labcorp Genetics (formerly Invitae), Labcorp).

NM_015166.4(MLC1):c.973C>T (p.Gln325Ter)

Gene: MLC1 (modulator of VRAC current 1; minus strand). Cytogenetic location: 22q13.33.
Variant type: single nucleotide variant.
Coding change: c.973C>T on transcript NM_015166.4 (MANE Select); coding-DNA position 973, C replaced by T.
Protein change: p.Gln325Ter; replaces glutamine 325 with a stop codon.
Molecular consequence: nonsense. On other transcripts: non-coding transcript variant (3).
Genome position (GRCh38, 1-based): chr22:50,064,120, G>A on the plus strand (C>T on the coding strand, the complement: MLC1 is on the minus strand). VCF-style: chr22-50064120-G-A. GRCh37 (hg19) VCF-style: chr22-50502549-G-A.
Other names: c.973C>T, p.Gln325Ter (NM_001376472.1, NM_001376473.1, NM_001376474.1 and 5 more transcripts); c.916C>T, p.Gln306Ter (NM_001376479.1); c.883C>T, p.Gln295Ter (NM_001376480.1); c.871C>T, p.Gln291Ter (NM_001376481.1); c.817C>T, p.Gln273Ter (NM_001376482.1, NM_001376483.1); c.736C>T, p.Gln246Ter (NM_001376484.1); short protein forms Q325*, Q246*, Q273*, Q291*, Q295*, Q306*.
Identifiers: ClinVar variation 370408 (VCV000370408.12), dbSNP rs1057516465, ClinGen allele CA16042025.